The following is an entry in ClinVar:

ClinVar aggregate classification (germline): Likely pathogenic (1 of 4 stars; one submission).

Conditions:
MEGF8-related Carpenter syndrome. Also called: Carpenter syndrome 2. Identifiers: Orphanet 65759, MedGen C3554247, MONDO:0013998, OMIM 614976.

gnomAD v4.1: 9 of 1,592,590 alleles (0.00057%); highest among the groups gnomAD compares: African/African-American, 0.0013%; no homozygotes.

Submission:

Variantyx, Inc.
Classification: Likely pathogenic for MEGF8-related Carpenter syndrome. Last evaluated: 2025-03-26. Review status: criteria provided, single submitter. Criteria: Variantyx Assertion Criteria 2022. Collection method: clinical testing. Allele origin: paternal.
Comment: This is a nonsense variant in the MEGF8 gene (OMIM: 604267). Pathogenic variants in this gene have been associated with autosomal recessive Carpenter syndrome 2 (PMID: 23063620). This variant introduces a premature termination codon in exon 17 out of 42. It is expected to result in loss of function, which is a known disease mechanism for MEGF8 in this disorder (PMID: 38760421) (PVS1). This variant has a 0.0013% maximum allele frequency in non-founder control populations (PM2_Supporting). This variant resides at the second base of exon 17; algorithms that predict the potential impact of sequence variants on RNA splicing produce conflicting evidence regarding the effect on splicing. This variant has not been reported in individuals with MEGF8-related disorders in the databases available for review. Based on the current evidence, this variant is classified as likely pathogenic for autosomal recessive Carpenter syndrome 2.

NM_001271938.2(MEGF8):c.2857C>T (p.Arg953Ter)

Gene: MEGF8 (multiple EGF like domains 8; plus strand). Cytogenetic location: 19q13.2.
Variant type: single nucleotide variant.
Coding change: c.2857C>T on transcript NM_001271938.2 (MANE Select); coding-DNA position 2857, C replaced by T.
Protein change: p.Arg953Ter; replaces arginine 953 with a stop codon.
Molecular consequence: nonsense.
Genome position (GRCh38, 1-based): chr19:42,351,430, C>T. VCF-style: chr19-42351430-C-T. GRCh37 (hg19) VCF-style: chr19-42855582-C-T.
Other names: c.2656C>T, p.Arg886Ter (NM_001410.3); short protein forms R886*, R953*.
Identifiers: ClinVar variation 4759224 (VCV004759224.1).